The following is an entry in ClinVar:

ClinVar aggregate classification (germline): Benign (1 of 4 stars; one submission).

Allele frequency attached by ClinVar (database versions not stated): TOPMed 0.00040; gnomAD 0.00070; gnomAD exomes 0.00089; 1000 Genomes Project 30x 0.00141; 1000 Genomes Project 0.00160; ExAC 0.00222.

Submissions (3):

CeGaT Center for Human Genetics Tuebingen
Classification: Benign. Last evaluated: 2023-01-01. Review status: criteria provided, single submitter. Criteria: CeGaT Center For Human Genetics Tuebingen Variant Classification Criteria Version 2. Collection method: clinical testing. Allele origin: germline. Affected: yes. Observed: 1 variant allele.
Comment: MYOCD: BP4, BS1, BS2

Dr. Peter K. Rogan Lab, Western University
No classification provided (evidence only). Condition: Clear cell carcinoma of kidney. Review status: no classification provided. Collection method: in vitro. Allele origin: not applicable. Functional consequence: skipped exon, retained intron. Not counted in ClinVar's aggregate classification.

Dr. Peter K. Rogan Lab, Western University
No classification provided (evidence only). Condition: Gastric cancer. Review status: no classification provided. Collection method: in vitro. Allele origin: not applicable. Functional consequence: skipped exon, retained intron. Not counted in ClinVar's aggregate classification.

NM_001146312.3(MYOCD):c.2225A>G (p.Asp742Gly)

Gene: MYOCD (myocardin; plus strand). Cytogenetic location: 17p12.
Variant type: single nucleotide variant.
Coding change: c.2225A>G on transcript NM_001146312.3 (MANE Select); coding-DNA position 2225, A replaced by G.
Protein change: p.Asp742Gly; replaces aspartic acid 742 with glycine.
Molecular consequence: missense variant.
Genome position (GRCh38, 1-based): chr17:12,758,107, A>G. VCF-style: chr17-12758107-A-G. GRCh37 (hg19) VCF-style: chr17-12661424-A-G.
Other names: NC_000017.10:g.12661424A>G; c.1988A>G, p.Asp663Gly (NM_001378306.1); c.2081A>G, p.Asp694Gly (NM_153604.4); short protein forms D663G, D694G, D742G.
Identifiers: ClinVar variation 2647494 (VCV002647494.25), dbSNP rs374404083, ClinGen allele CA8399798.